The following is an entry in ClinVar:

NM_002769.5(PRSS1):c.413A>C (p.Lys138Thr)

Genes: TRB (T cell receptor beta locus; plus strand), PRSS1 (serine protease 1; plus strand). Cytogenetic location: 7q34.
Variant type: single nucleotide variant.
Coding change: c.413A>C on transcript NM_002769.5 (MANE Select); coding-DNA position 413, A replaced by C.
Protein change: p.Lys138Thr; replaces lysine 138 with threonine.
Molecular consequence: missense variant. On other transcripts: non-coding transcript variant (5).
Genome position (GRCh38, 1-based): chr7:142,751,986, A>C. VCF-style: chr7-142751986-A-C. GRCh37 (hg19) VCF-style: chr7-142459837-A-C.
Other names: short protein forms K138T.
Identifiers: ClinVar variation 1738132 (VCV001738132.2), dbSNP rs2116978593, ClinGen allele CA369609112.
Genomic context (GRCh38, chr7:142,751,986, plus strand): 5'-TAATCAACGCCCGCGTGTCCACCATCTCTCTGCCCACCGCCCCTCCAGCCACTGGCACGA[A>C]GTGCCTCATCTCTGGCTGGGGCAACACTGCGAGCTCTGGCGGTGAGTGGGACCCTTAGTC-3'
Protein context (NP_002760.1, residues 128-148): LPTAPPATGT[Lys138Thr]CLISGWGNTA

ClinVar aggregate classification (germline): Uncertain significance (1 of 4 stars; one submission).

Conditions:
Hereditary pancreatitis (PCTT). Also called: Hereditary chronic pancreatitis; PRSS1-Related Hereditary Pancreatitis. Identifiers: Orphanet 676, MedGen C0238339, MONDO:0008185, OMIM 167800.

Submission:

Ambry Genetics
Classification: Uncertain significance for Hereditary pancreatitis. Last evaluated: 2022-03-01. Review status: criteria provided, single submitter. Criteria: Ambry Variant Classification Scheme 2023. Collection method: clinical testing. Allele origin: germline.
Comment: The p.K138T variant (also known as c.413A>C), located in coding exon 3 of the PRSS1 gene, results from an A to C substitution at nucleotide position 413. The lysine at codon 138 is replaced by threonine, an amino acid with similar properties. This amino acid position is conserved. In addition, this alteration is predicted to be tolerated by in silico analysis. Since supporting evidence is limited at this time, the clinical significance of this alteration remains unclear.